The following is an entry in ClinVar:

ClinVar aggregate classification (germline): Uncertain significance (1 of 4 stars; one submission).

gnomAD v4.1: 1 of 1,608,358 alleles (0.000062%); highest among the groups gnomAD compares: Non-Finnish European, 0.000085%; no homozygotes.

Submission:

Women's Health and Genetics/Laboratory Corporation of America, LabCorp
Classification: Uncertain significance. Last evaluated: 2025-07-03. Review status: criteria provided, single submitter. Criteria: LabCorp Variant Classification Summary - May 2015. Collection method: clinical testing. Allele origin: germline.
Comment: Variant summary: EXOSC3 c.239T>A (p.Val80Asp) results in a non-conservative amino acid change in the encoded protein sequence. Algorithms developed to predict the effect of missense changes on protein structure and function all suggest that this variant is likely to be disruptive. The variant allele was found at a frequency of 8.5e-06 in 235192 control chromosomes (gnomAD). The available data on variant occurrences in the general population are insufficient to allow any conclusion about variant significance. To our knowledge, no occurrence of c.239T>A in individuals affected with Pontocerebellar Hypoplasia, Type 1B and no experimental evidence demonstrating its impact on protein function have been reported. A different variant affecting the same codon has been classified as likely pathogenic by our lab (c.238G>T, p.Val80Phe), supporting the critical relevance of codon 80 to EXOSC3 protein function. No submitters have cited clinical-significance assessments for this variant to ClinVar. Based on the evidence outlined above, the variant was classified as uncertain significance.

NM_016042.4(EXOSC3):c.239T>A (p.Val80Asp)

Genes: EXOSC3 (exosome component 3; minus strand), LOC130001814 (ATAC-STARR-seq lymphoblastoid active region 28402; plus strand). Cytogenetic location: 9p13.2.
Variant type: single nucleotide variant.
Coding change: c.239T>A on transcript NM_016042.4 (MANE Select); coding-DNA position 239, T replaced by A.
Protein change: p.Val80Asp; replaces valine 80 with aspartic acid.
Molecular consequence: missense variant.
Genome position (GRCh38, 1-based): chr9:37,784,806, A>T on the plus strand (T>A on the coding strand, the complement: EXOSC3 is on the minus strand). VCF-style: chr9-37784806-A-T. GRCh37 (hg19) VCF-style: chr9-37784803-A-T.
Other names: c.239T>A, p.Val80Asp (NM_001002269.2); short protein forms V80D.
Identifiers: ClinVar variation 3911944 (VCV003911944.2).